The following is an entry in ClinVar:

ClinVar aggregate classification (germline): Uncertain significance (1 of 4 stars; one submission).

Conditions:
Beckwith-Wiedemann syndrome (BWS). Also called: Exomphalos macroglossia gigantism syndrome; EMG SYNDROME. Identifiers: Orphanet 116, MedGen C0004903, MONDO:0007534, OMIM 130650.

Allele frequency attached by ClinVar (database versions not stated): ExAC below 0.00001; gnomAD exomes below 0.00001.

Submission:

Labcorp Genetics (formerly Invitae), Labcorp
Classification: Uncertain significance for Beckwith-Wiedemann syndrome. Last evaluated: 2023-10-27. Review status: criteria provided, single submitter. Criteria: Invitae Variant Classification Sherloc (09022015). Collection method: clinical testing. Allele origin: germline.
Comment: This sequence change replaces arginine, which is basic and polar, with glutamine, which is neutral and polar, at codon 107 of the CDKN1C protein (p.Arg107Gln). This variant is not present in population databases (gnomAD no frequency). This variant has not been reported in the literature in individuals affected with CDKN1C-related conditions. ClinVar contains an entry for this variant (Variation ID: 965182). Advanced modeling of protein sequence and biophysical properties (such as structural, functional, and spatial information, amino acid conservation, physicochemical variation, residue mobility, and thermodynamic stability) performed at Invitae indicates that this missense variant is not expected to disrupt CDKN1C protein function with a negative predictive value of 80%. In summary, the available evidence is currently insufficient to determine the role of this variant in disease. Therefore, it has been classified as a Variant of Uncertain Significance.

NM_001122630.2(CDKN1C):c.287G>A (p.Arg96Gln)

Gene: CDKN1C (cyclin dependent kinase inhibitor 1C; minus strand). Cytogenetic location: 11p15.4.
Variant type: single nucleotide variant.
Coding change: c.287G>A on transcript NM_001122630.2 (MANE Select); coding-DNA position 287, G replaced by A.
Protein change: p.Arg96Gln; replaces arginine 96 with glutamine.
Molecular consequence: missense variant. On other transcripts: intron variant (1).
Genome position (GRCh38, 1-based): chr11:2,885,170, C>T on the plus strand (G>A on the coding strand, the complement: CDKN1C is on the minus strand). VCF-style: chr11-2885170-C-T. GRCh37 (hg19) VCF-style: chr11-2906400-C-T.
Other names: c.320G>A, p.Arg107Gln (NM_000076.2, NM_001362474.2); c.287G>A, p.Arg96Gln (NM_001122631.2); c.255+32G>A (NM_001362475.2); short protein forms R107Q, R96Q.
Identifiers: ClinVar variation 965182 (VCV000965182.7), dbSNP rs763525000, ClinGen allele CA5822217.